The following is an entry in ClinVar:

NM_014489.4(PGAP2):c.182T>C (p.Met61Thr)

Gene: PGAP2 (post-GPI attachment to proteins 2; plus strand). Cytogenetic location: 11p15.4.
Variant type: single nucleotide variant.
Coding change: c.182T>C on transcript NM_014489.4 (MANE Select); coding-DNA position 182, T replaced by C.
Protein change: p.Met61Thr; replaces methionine 61 with threonine.
Molecular consequence: missense variant. On other transcripts: intron variant (17).
Genome position (GRCh38, 1-based): chr11:3,817,369, T>C. VCF-style: chr11-3817369-T-C. GRCh37 (hg19) VCF-style: chr11-3838599-T-C.
Other names: c.182T>C, p.Met61Thr (NM_001256236.2, NM_001346403.1); c.135-5540T>C (NM_001256235.2); c.162-6901T>C (NM_001283040.1); c.-38-5540T>C (NM_001346401.2, NM_001346399.2); c.318+5945T>C (NM_001346397.2); c.201-5540T>C (NM_001346402.2); c.165+5945T>C (NM_001256237.2, NM_001283038.2, NM_001145438.3 and 7 more transcripts); c.-40-6244T>C (NM_001283039.2); short protein forms M118T, M61T.
Identifiers: ClinVar variation 4856129 (VCV004856129.1).
Genomic context (GRCh38, chr11:3,817,369, plus strand): 5'-AGGTGTCCTACCAGGCCCCAAGTTGTATCCCTCGTGCTGCTTAGGCCACGCCCTGCAGGA[T>C]GTTCTCTGCGGCCTCCCAGCCTTTGGACCCCGATGGGACCTTGTTCCGGCTTCGCTTCAC-3'
Protein context (NP_055304.1, residues 51-71): ATHCGATPCR[Met61Thr]FSAASQPLDP

ClinVar aggregate classification (germline): Uncertain significance (1 of 4 stars; one submission).

Conditions:
Hyperphosphatasia with impaired intellectual development syndrome 3. Also called: GLYCOSYLPHOSPHATIDYLINOSITOL BIOSYNTHESIS DEFECT 8; Hyperphosphatasia with intellectual disability syndrome 3. Identifiers: Orphanet 247262, MedGen C3280153, MONDO:0013628, OMIM 614207.

gnomAD v4.1: 208 of 1,613,388 alleles (0.013%); highest among the groups gnomAD compares: African/African-American, 0.25%; no homozygotes.

Submission:

3billion
Classification: Uncertain significance for Hyperphosphatasia with impaired intellectual development syndrome 3. Last evaluated: 2025-12-09. Review status: criteria provided, single submitter. Criteria: ACMG Guidelines, 2015. Collection method: clinical testing. Allele origin: germline. Affected: yes.
Comment: The variant is observed at an extremely low frequency in the gnomAD v4.1.0 dataset (total allele frequency: 0.013%). Predicted Consequence/Location: Missense variant In silico tool predictions suggest damaging effect of the variant on gene or gene product [3Cnet: 0.87 (> 0.75, sensitivity 0.96 and precision 0.92)]. Therefore, this variant is classified as VUS according to the recommendation of ACMG/AMP guideline.